The following is an entry in ClinVar:

NM_001846.4(COL4A2):c.1364C>T (p.Ala455Val)

Genes: COL4A2 (collagen type IV alpha 2 chain; plus strand), COL4A2-AS2 (COL4A2 antisense RNA 2; minus strand). Cytogenetic location: 13q34.
Variant type: single nucleotide variant.
Coding change: c.1364C>T on transcript NM_001846.4 (MANE Select); coding-DNA position 1364, C replaced by T.
Protein change: p.Ala455Val; replaces alanine 455 with valine.
Molecular consequence: missense variant.
Genome position (GRCh38, 1-based): chr13:110,457,367, C>T. VCF-style: chr13-110457367-C-T. GRCh37 (hg19) VCF-style: chr13-111109714-C-T.
Other names: short protein forms A455V.
Identifiers: ClinVar variation 1053835 (VCV001053835.7), dbSNP rs2139490864, ClinGen allele CA388735763.

ClinVar aggregate classification (germline): Uncertain significance (1 of 4 stars; one submission).

gnomAD v4.1: 1 of 1,613,230 alleles (0.000062%); highest among the groups gnomAD compares: East Asian, 0.0022%; no homozygotes.

Submission:

Labcorp Genetics (formerly Invitae), Labcorp
Classification: Uncertain significance. Last evaluated: 2017-09-06. Review status: criteria provided, single submitter. Criteria: Invitae Variant Classification Sherloc (09022015). Collection method: clinical testing. Allele origin: germline.
Comment: In summary, the available evidence is currently insufficient to determine the role of this variant in disease. Therefore, it has been classified as a Variant of Uncertain Significance. Algorithms developed to predict the effect of missense changes on protein structure and function output the following: SIFT: "tolerated"; PolyPhen-2: "Benign"; Align-GVGD: "Class C0". The valine amino acid residue is found in multiple mammalian species, suggesting that this missense change does not adversely affect protein function. These predictions have not been confirmed by published functional studies and their clinical significance is uncertain. This variant has not been reported in the literature in individuals with COL4A2-related disease. This variant is not present in population databases (ExAC no frequency). This sequence change replaces alanine with valine at codon 455 of the COL4A2 protein (p.Ala455Val). The alanine residue is weakly conserved and there is a small physicochemical difference between alanine and valine.